The following is an entry in ClinVar:

NM_001363.5(DKC1):c.1074C>T (p.Cys358=)

Gene: DKC1 (dyskerin pseudouridine synthase 1; plus strand). Cytogenetic location: Xq28.
Variant type: single nucleotide variant.
Coding change: c.1074C>T on transcript NM_001363.5 (MANE Select); coding-DNA position 1074, C replaced by T.
Protein change: p.Cys358=; no amino-acid change (cysteine 358 retained).
Molecular consequence: synonymous variant. On other transcripts: non-coding transcript variant (3).
Genome position (GRCh38, 1-based): chrX:154,773,168, C>T. VCF-style: chrX-154773168-C-T. GRCh37 (hg19) VCF-style: chrX-154001443-C-T.
Other names: c.1074C>T, p.Cys358= (NM_001142463.3, NM_001288747.2).
Identifiers: ClinVar variation 697743 (VCV000697743.9), dbSNP rs781915787, ClinGen allele CA10567153.
Genomic context (GRCh38, chrX:154,773,168, plus strand): 5'-TTTTCTTTATTCAATGCCTGTAGCTATTGCATTAATGACCACAGCGGTCATCTCTACCTG[C>T]GACCATGGTATAGTAGCCAAGATCAAGAGAGTGATCATGGAGAGAGACACTTACCCTCGG-3'
Protein context (NP_001354.1, residues 348-368): ALMTTAVIST[Cys358=]DHGIVAKIKR

ClinVar aggregate classification (germline): Likely benign. Review status: criteria provided, multiple submitters, no conflicts (2 of 4 stars). 2 submissions from 2 submitters: Likely benign (2). Last evaluated 2026-08-01.

Conditions:
Dyskeratosis congenita. Identifiers: Orphanet 1775, MedGen C0265965, MONDO:0015780.

Allele frequency attached by ClinVar (database versions not stated): gnomAD exomes 0.00001 and 0.00002; gnomAD 0.00002 and 0.00005; TOPMed 0.00002; ExAC 0.00003.
gnomAD v4.1: 16 of 1,205,944 alleles (0.0013%); highest among the groups gnomAD compares: East Asian, 0.0089%; no homozygotes.

Submissions (2):

CeGaT Center for Human Genetics Tuebingen
Classification: Likely benign. Last evaluated: 2026-08-01. Review status: criteria provided, single submitter. Criteria: CeGaT Center For Human Genetics Tuebingen Variant Classification Criteria Version 2. Collection method: clinical testing. Allele origin: germline. Affected: yes. Observed: 1 variant allele.
Comment: DKC1: BP4, BP7, BS2

Labcorp Genetics (formerly Invitae), Labcorp
Classification: Likely benign for Dyskeratosis congenita. Last evaluated: 2024-02-16. Review status: criteria provided, single submitter. Criteria: Invitae Variant Classification Sherloc (09022015). Collection method: clinical testing. Allele origin: germline.